The following is an entry in ClinVar:

ClinVar aggregate classification (germline): Uncertain significance (1 of 4 stars; one submission).

Submission:

GeneDx
Classification: Uncertain significance. Last evaluated: 2024-12-12. Review status: criteria provided, single submitter. Criteria: GeneDx Variant Classification Process June 2021. Collection method: clinical testing. Allele origin: germline. Affected: yes.
Comment: Not observed at significant frequency in large population cohorts (gnomAD); In silico analysis supports that this missense variant has a deleterious effect on protein structure/function; Has not been previously published as pathogenic or benign to our knowledge

NM_152365.3(KDF1):c.669C>A (p.Asp223Glu)

Gene: KDF1 (keratinocyte differentiation factor 1; minus strand). Cytogenetic location: 1p36.11.
Variant type: single nucleotide variant.
Coding change: c.669C>A on transcript NM_152365.3 (MANE Select); coding-DNA position 669, C replaced by A.
Protein change: p.Asp223Glu; replaces aspartic acid 223 with glutamic acid.
Molecular consequence: missense variant.
Genome position (GRCh38, 1-based): chr1:26,951,712, G>T on the plus strand (C>A on the coding strand, the complement: KDF1 is on the minus strand). VCF-style: chr1-26951712-G-T. GRCh37 (hg19) VCF-style: chr1-27278203-G-T.
Other names: short protein forms D223E.
Identifiers: ClinVar variation 3903061 (VCV003903061.1).